The following is an entry in ClinVar:

NM_017636.4(TRPM4):c.2912A>G (p.Tyr971Cys)

Gene: TRPM4 (transient receptor potential cation channel subfamily M member 4; plus strand). Cytogenetic location: 19q13.33.
Variant type: single nucleotide variant.
Coding change: c.2912A>G on transcript NM_017636.4 (MANE Select); coding-DNA position 2912, A replaced by G.
Protein change: p.Tyr971Cys; replaces tyrosine 971 with cysteine.
Molecular consequence: missense variant.
Genome position (GRCh38, 1-based): chr19:49,200,744, A>G. VCF-style: chr19-49200744-A-G. GRCh37 (hg19) VCF-style: chr19-49704001-A-G.
Other names: c.2477A>G, p.Tyr826Cys (NM_001195227.2); c.2567A>G, p.Tyr856Cys (NM_001321281.2); c.1304A>G, p.Tyr435Cys (NM_001321282.2); c.2390A>G, p.Tyr797Cys (NM_001321283.2); c.1850A>G, p.Tyr617Cys (NM_001321285.2); short protein forms Y971C, Y435C, Y826C, Y856C, Y617C, Y797C.
Identifiers: ClinVar variation 393064 (VCV000393064.15), dbSNP rs199577978, ClinGen allele CA9569706.
Genomic context (GRCh38, chr19:49,200,744, plus strand): 5'-TCCTGAGGCCACGGGACAGTGACTTCCCAAGTATCCTGCGCCGCGTCTTCTACCGTCCCT[A>G]CCTGCAGATCTTCGGGCAGATTCCCCAGGAGGACATGGACGGTAGGGGGGATGACGGCCT-3'
Protein context (NP_060106.2, residues 961-981): SILRRVFYRP[Tyr971Cys]LQIFGQIPQE

ClinVar aggregate classification (germline): Uncertain significance. Review status: criteria provided, multiple submitters, no conflicts (2 of 4 stars). 4 submissions from 4 submitters: Uncertain significance (4). Last evaluated 2025-08-09.

Conditions:
Progressive familial heart block type IB (PFHB1B). Identifiers: Orphanet 871, MedGen C1970298, MONDO:0011474, OMIM 604559.
Erythrokeratodermia variabilis et progressiva 6. Identifiers: MedGen C5193144, MONDO:0032801, OMIM 618531.
Cardiovascular phenotype. Identifiers: MedGen CN230736.

Allele frequency attached by ClinVar (database versions not stated): gnomAD 0.00001; ExAC 0.00002; gnomAD exomes 0.00002; TOPMed 0.00003; 1000 Genomes Project 30x 0.00016; 1000 Genomes Project 0.00020.
gnomAD v4.1: 29 of 1,614,012 alleles (0.0018%); highest among the groups gnomAD compares: Admixed American, 0.01%; no homozygotes.

Submissions (4):

Labcorp Genetics (formerly Invitae), Labcorp
Classification: Uncertain significance for Progressive familial heart block type IB. Last evaluated: 2025-08-09. Review status: criteria provided, single submitter. Criteria: Invitae Variant Classification Sherloc (09022015). Collection method: clinical testing. Allele origin: germline.
Comment: This sequence change replaces tyrosine, which is neutral and polar, with cysteine, which is neutral and slightly polar, at codon 971 of the TRPM4 protein (p.Tyr971Cys). This variant is present in population databases (rs199577978, gnomAD 0.01%). This variant has not been reported in the literature in individuals affected with TRPM4-related conditions. ClinVar contains an entry for this variant (Variation ID: 393064). An algorithm developed to predict the effect of missense changes on protein structure and function (PolyPhen-2) suggests that this variant is likely to be disruptive. In summary, the available evidence is currently insufficient to determine the role of this variant in disease. Therefore, it has been classified as a Variant of Uncertain Significance.

GeneDx
Classification: Uncertain significance. Last evaluated: 2024-08-12. Review status: criteria provided, single submitter. Criteria: GeneDx Variant Classification Process June 2021. Collection method: clinical testing. Allele origin: germline. Affected: yes.
Comment: Has not been previously published as pathogenic or benign to our knowledge; In silico analysis supports that this missense variant has a deleterious effect on protein structure/function

Ambry Genetics
Classification: Uncertain significance for Cardiovascular phenotype. Last evaluated: 2024-08-02. Review status: criteria provided, single submitter. Criteria: Ambry Variant Classification Scheme 2023. Collection method: clinical testing. Allele origin: germline.
Comment: The p.Y971C variant (also known as c.2912A>G), located in coding exon 19 of the TRPM4 gene, results from an A to G substitution at nucleotide position 2912. The tyrosine at codon 971 is replaced by cysteine, an amino acid with highly dissimilar properties. This amino acid position is highly conserved in available vertebrate species. In addition, this alteration is predicted to be deleterious by in silico analysis. Based on the available evidence, the clinical significance of this variant remains unclear.

Fulgent Genetics
Classification: Uncertain significance for Progressive familial heart block type IB; Erythrokeratodermia variabilis et progressiva 6. Last evaluated: 2021-11-02. Review status: criteria provided, single submitter. Criteria: ACMG Guidelines, 2015. Collection method: clinical testing. Allele origin: unknown.